The following is an entry in ClinVar:

NM_000238.4(KCNH2):c.196T>C (p.Cys66Arg)

Gene: KCNH2 (potassium voltage-gated channel subfamily H member 2; minus strand). Cytogenetic location: 7q36.1.
Variant type: single nucleotide variant.
Coding change: c.196T>C on transcript NM_000238.4 (MANE Select); coding-DNA position 196, T replaced by C.
Protein change: p.Cys66Arg; replaces cysteine 66 with arginine.
Molecular consequence: missense variant.
Genome position (GRCh38, 1-based): chr7:150,974,822, A>G on the plus strand (T>C on the coding strand, the complement: KCNH2 is on the minus strand). VCF-style: chr7-150974822-A-G. GRCh37 (hg19) VCF-style: chr7-150671910-A-G.
Other names: c.19T>C, p.Cys7Arg (NM_001406755.1); c.196T>C, p.Cys66Arg (NM_172056.3); short protein forms C66R, C7R.
Identifiers: ClinVar variation 456900 (VCV000456900.9), dbSNP rs199473416, ClinGen allele CA369865654.
Genomic context (GRCh38, chr7:150,974,822, plus strand): 5'-GTGCCTGCGCGATCTGCGCGGCAGCGCGGCGCTGCGTGCGCGGCCCGTGCAGGAAGTCGC[A>G]GGTGCAGGGTCGCTGCATCACCTCGGCCCGCGAGTAGCCGCACAGCTCGCAGAAGCCGTC-3'
Protein context (NP_000229.1, residues 56-76): RAEVMQRPCT[Cys66Arg]DFLHGPRTQR

ClinVar aggregate classification (germline): Uncertain significance (1 of 4 stars; one submission).

Conditions:
Long QT syndrome (LQTS). Identifiers: MedGen C0023976, MeSH D008133, MONDO:0002442. Disease mechanism: loss of function. Inheritance: Various modes of inheritance.

Submission:

Labcorp Genetics (formerly Invitae), Labcorp
Classification: Uncertain significance for Long QT syndrome. Last evaluated: 2017-08-03. Review status: criteria provided, single submitter. Criteria: Invitae Variant Classification Sherloc (09022015). Collection method: clinical testing. Allele origin: germline.
Comment: This sequence change replaces cysteine with arginine at codon 66 of the KCNH2 protein (p.Cys66Arg). The cysteine residue is weakly conserved and there is a large physicochemical difference between cysteine and arginine. In summary, this variant is a rare missense change that affects a residue required for adequate protein function, which is suggestive of pathogenicity. However, the available evidence is currently insufficient to prove that conclusively. Therefore, it has been classified as a Variant of Uncertain Significance. Algorithms developed to predict the effect of missense changes on protein structure and function do not agree on the potential impact of this missense change (SIFT: "Deleterious"; PolyPhen-2: "Probably Damaging"; Align-GVGD: "Class C0"). This variant identified in the KCNH2 gene is located in the cytoplasmic PAS region of the resulting protein (PMID: 19841300). It is unclear how this variant impacts the function of this protein. A different missense substitution at this codon (p.Cys66Gly) has been determined to be pathogenic (PMID: 11854117, 25417810, 10973849, 23303164, 10187793). This suggests that the cysteine residue is critical for KCNH2 protein function and that other missense substitutions at this position may also be pathogenic. This variant is not present in population databases (ExAC no frequency) and has not been reported in the literature in individuals with a KCNH2-related disease.

Literature cited by the submitters: PubMed 19841300; PubMed 11854117; PubMed 25417810; PubMed 10973849; PubMed 23303164; PubMed 10187793.